The following is an entry in ClinVar:

NC_000023.11:g.108687484_108687501dup

Gene: COL4A5 (collagen type IV alpha 5 chain; plus strand). Cytogenetic location: Xq22.3.
Variant type: Duplication.
Genome position: GRCh38 VCF-style: chrX-108687480-A-AGGTACCCGTGGTTTGGAT. GRCh37 (hg19) VCF-style: chrX-107930710-A-AGGTACCCGTGGTTTGGAT.
Identifiers: ClinVar variation 1998228 (VCV001998228.5), dbSNP rs2524631898, ClinGen allele CA2580100163.
Genomic context (GRCh38, chrX:108,687,480, plus strand): 5'-ATATCCATAAGAGTGGATCAGAGCTTACTTAATCTTGTATACTGATTATTTCGTGGAAAT[A>AGGTACCCGTGGTTTGGAT]GGTACCCGTGGTTTGGATGGTCCCCCTGGTCCAGATGGATTGCAAGGTCCCCCAGGTCCC-3'

ClinVar aggregate classification (germline): Pathogenic (1 of 4 stars; one submission).

Submission:

Labcorp Genetics (formerly Invitae), Labcorp
Classification: Pathogenic. Last evaluated: 2022-09-14. Review status: criteria provided, single submitter. Criteria: Invitae Variant Classification Sherloc (09022015). Collection method: clinical testing. Allele origin: germline.
Comment: This variant, c.4300_4317dup, results in the insertion of 6 amino acid(s) of the COL4A5 protein (p.Thr1434_Gly1439dup), but otherwise preserves the integrity of the reading frame. This variant is not present in population databases (gnomAD no frequency). This variant has been observed in individual(s) with clinical features of Alport syndrome (Invitae). In at least one individual the variant was observed to be de novo. Algorithms developed to predict the effect of sequence changes on RNA splicing suggest that this variant may disrupt the consensus splice site. For these reasons, this variant has been classified as Pathogenic.